The following is an entry in ClinVar:

NM_005647.4(TBL1X):c.793A>G (p.Ser265Gly)

Gene: TBL1X (transducin beta like 1 X-linked; plus strand). Cytogenetic location: Xp22.2.
Variant type: single nucleotide variant.
Coding change: c.793A>G on transcript NM_005647.4 (MANE Select); coding-DNA position 793, A replaced by G.
Protein change: p.Ser265Gly; replaces serine 265 with glycine.
Molecular consequence: missense variant.
Genome position (GRCh38, 1-based): chrX:9,692,156, A>G. VCF-style: chrX-9692156-A-G. GRCh37 (hg19) VCF-style: chrX-9660196-A-G.
Other names: c.793A>G, p.Ser265Gly (NM_001139466.1); c.640A>G, p.Ser214Gly (NM_001139467.1, NM_001139468.1); short protein forms S214G, S265G.
Identifiers: ClinVar variation 3383879 (VCV003383879.1).

ClinVar aggregate classification (germline): Uncertain significance (1 of 4 stars; one submission).

gnomAD v4.1: 1 of 1,211,654 alleles (0.000083%); highest among the groups gnomAD compares: African/African-American, 0.0017%; no homozygotes.

Submission:

GeneDx
Classification: Uncertain significance. Last evaluated: 2024-05-30. Review status: criteria provided, single submitter. Criteria: GeneDx Variant Classification Process June 2021. Collection method: clinical testing. Allele origin: germline. Affected: yes.
Comment: Not observed at significant frequency in large population cohorts (gnomAD); In silico analysis indicates that this missense variant does not alter protein structure/function; Has not been previously published as pathogenic or benign to our knowledge